The following is an entry in ClinVar:

NM_001244008.2(KIF1A):c.27G>A (p.Ala9=)

Gene: KIF1A (kinesin family member 1A; minus strand). Cytogenetic location: 2q37.3.
Variant type: single nucleotide variant.
Coding change: c.27G>A on transcript NM_001244008.2 (MANE Select); coding-DNA position 27, G replaced by A.
Protein change: p.Ala9=; no amino-acid change (alanine 9 retained).
Molecular consequence: synonymous variant.
Genome position (GRCh38, 1-based): chr2:240,797,726, C>T on the plus strand (G>A on the coding strand, the complement: KIF1A is on the minus strand). VCF-style: chr2-240797726-C-T. GRCh37 (hg19) VCF-style: chr2-241737143-C-T.
Other names: c.27G>A (NM_001244008.1); c.27G>A, p.Ala9= (NM_001320705.2, NM_001330289.2, NM_001330290.2 and 20 more transcripts).
Identifiers: ClinVar variation 464222 (VCV000464222.16), dbSNP rs753090169, ClinGen allele CA2208923.

ClinVar aggregate classification (germline): Likely benign. Review status: criteria provided, multiple submitters, no conflicts (2 of 4 stars). 4 submissions from 4 submitters: Likely benign (4). Last evaluated 2026-03-25.

Conditions:
KIF1A-related disorder. Also called: KIF1A-related disorders; KIF1A-related condition.
Inborn genetic diseases. Identifiers: MedGen C0950123, MeSH D030342.
Neuropathy, hereditary sensory, type 2C. Also called: Hereditary sensory and autonomic neuropathy type IIC; KIF1A-Related HSAN2 (HSAN2C). Identifiers: Orphanet 970, MedGen C3280168, MONDO:0013634, OMIM 614213.
Hereditary spastic paraplegia 30. Identifiers: Orphanet 101010, MedGen C5235139, MONDO:0012476.
Intellectual disability, autosomal dominant 9 (NESCAVS). Also called: KIF1A-Related Neurodevelopmental Disorder; NESCAV SYNDROME. Identifiers: Orphanet 662367, MedGen C5393830, MONDO:0013656, OMIM 614255.

Allele frequency attached by ClinVar (database versions not stated): ExAC 0.00002; gnomAD exomes 0.00002 and 0.00003; gnomAD 0.00003 and 0.00004; TOPMed 0.00007.
gnomAD v4.1: 45 of 1,611,500 alleles (0.0028%); highest among the groups gnomAD compares: African/African-American, 0.011%; no homozygotes.

Submissions (4):

PreventionGenetics, part of Exact Sciences
Classification: Likely benign for KIF1A-related condition. Last evaluated: 2026-03-25. Review status: criteria provided, single submitter. Criteria: ACMG Guidelines, 2015. Collection method: clinical testing. Allele origin: germline.
Comment: This variant is classified as likely benign based on ACMG/AMP sequence variant interpretation guidelines (Richards et al. 2015 PMID: 25741868, with internal and published modifications).

Labcorp Genetics (formerly Invitae), Labcorp
Classification: Likely benign for Hereditary spastic paraplegia 30; Neuropathy, hereditary sensory, type 2C; Intellectual disability, autosomal dominant 9. Last evaluated: 2025-12-17. Review status: criteria provided, single submitter. Criteria: Invitae Variant Classification Sherloc (09022015). Collection method: clinical testing. Allele origin: germline.

Blueprint Genetics
Classification: Likely benign. Last evaluated: 2023-07-31. Review status: criteria provided, single submitter. Criteria: ACMG Guidelines, 2015. Collection method: clinical testing. Allele origin: germline.

Ambry Genetics
Classification: Likely benign for Inborn genetic diseases. Last evaluated: 2020-01-22. Review status: criteria provided, single submitter. Criteria: Ambry Variant Classification Scheme 2023. Collection method: clinical testing. Allele origin: germline.